The following is an entry in ClinVar:

ClinVar aggregate classification (germline): Likely benign (1 of 4 stars; one submission).

Submission:

CeGaT Center for Human Genetics Tuebingen
Classification: Likely benign. Last evaluated: 2025-08-01. Review status: criteria provided, single submitter. Criteria: CeGaT Center For Human Genetics Tuebingen Variant Classification Criteria Version 2. Collection method: clinical testing. Allele origin: germline. Affected: yes. Observed: 1 variant allele.
Comment: APC: PM2:Supporting, BP4, BP7

NM_000038.6(APC):c.4074G>C (p.Ala1358=)

Gene: APC (APC regulator of Wnt signaling pathway; plus strand). Cytogenetic location: 5q22.2.
Variant type: single nucleotide variant.
Coding change: c.4074G>C on transcript NM_000038.6 (MANE Select); coding-DNA position 4074, G replaced by C.
Protein change: p.Ala1358=; no amino-acid change (alanine 1358 retained).
Molecular consequence: synonymous variant. On other transcripts: non-coding transcript variant (2).
Genome position (GRCh38, 1-based): chr5:112,839,668, G>C. VCF-style: chr5-112839668-G-C. GRCh37 (hg19) VCF-style: chr5-112175365-G-C.
Other names: c.4074G>C, p.Ala1358= (NM_001127510.3, NM_001354895.2, NM_001407450.1); c.4020G>C, p.Ala1340= (NM_001127511.3); c.4128G>C, p.Ala1376= (NM_001354896.2, NM_001407447.1, NM_001407448.1 and 1 more transcripts); c.4104G>C, p.Ala1368= (NM_001354897.2); c.3999G>C, p.Ala1333= (NM_001354898.2); c.3990G>C, p.Ala1330= (NM_001354899.2); c.3951G>C, p.Ala1317= (NM_001354900.2); c.3897G>C, p.Ala1299= (NM_001354901.2, NM_001407453.1); and 11 more.
Identifiers: ClinVar variation 4084251 (VCV004084251.8).